The following is an entry in ClinVar:

ClinVar aggregate classification (germline): Uncertain significance. Review status: criteria provided, multiple submitters, no conflicts (2 of 4 stars). 2 submissions from 2 submitters: Uncertain significance (2). Last evaluated 2024-08-31.

Conditions:
Hypertrophic cardiomyopathy. Also called: HYPERTROPHIC MYOCARDIOPATHY. Identifiers: Orphanet 217569, MedGen C0007194, MeSH D002312, MONDO:0005045, HP:0001639.

Submissions (2):

Labcorp Genetics (formerly Invitae), Labcorp
Classification: Uncertain significance for Hypertrophic cardiomyopathy. Last evaluated: 2024-08-31. Review status: criteria provided, single submitter. Criteria: Invitae Variant Classification Sherloc (09022015). Collection method: clinical testing. Allele origin: germline.
Comment: This sequence change creates a premature translational stop signal (p.Asp180Thrfs*19) in the TNNI3 gene. While this is not anticipated to result in nonsense mediated decay, it is expected to disrupt the last 31 amino acid(s) of the TNNI3 protein. This variant is not present in population databases (gnomAD no frequency). This premature translational stop signal has been observed in individual(s) with clinical features of hypertrophic cardiomyopathy (PMID: 27532257, 37652022; internal data). ClinVar contains an entry for this variant (Variation ID: 229332). Experimental studies and prediction algorithms are not available or were not evaluated, and the functional significance of this variant is currently unknown. In summary, the available evidence is currently insufficient to determine the role of this variant in disease. Therefore, it has been classified as a Variant of Uncertain Significance.

Laboratory for Molecular Medicine, Mass General Brigham Personalized Medicine
Classification: Uncertain significance. Last evaluated: 2015-06-03. Review status: criteria provided, single submitter. Criteria: LMM Criteria. Collection method: clinical testing. Allele origin: germline. Observed: 1 variant allele.
Comment: Variant classified as Uncertain Significance - Favor Pathogenic. The p.Asp180fs variant in TNNI3 has not been previously reported in individuals with cardiomyop athy or in large population studies. This frameshift variant is predicted to alt er the protein?s amino acid sequence beginning at position 180 and lead to a pre mature termination codon 19 amino acids downstream. This termination codon occur s within the terminal 50 bases of the second to last exon and is more likely to escape nonsense mediated decay (NMD) and result in a truncated protein. While he terozygous frameshift variants in TNNI3 are uncommon, they have been reported in cases of HCM (Olivotto 2008, Olivotto 2011) and RCM with functional evidence of calcium sensitization (Kaski 2008, Kostareva 2009). However, it remains unclear if the p.Asp180fs variant would impact protein function. In summary, while ther e is some suspicion for a pathogenic role, the clinical significance of the p.As p180fs variant is uncertain.

Literature cited by the submitters: PubMed 27532257 (cited by Labcorp Genetics (formerly Invitae), Labcorp); PubMed 37652022 (cited by Labcorp Genetics (formerly Invitae), Labcorp); PubMed 18533079 (cited by Laboratory for Molecular Medicine, Mass General Brigham Personalized Medicine); PubMed 18467357 (cited by Laboratory for Molecular Medicine, Mass General Brigham Personalized Medicine); PubMed 18006163 (cited by Laboratory for Molecular Medicine, Mass General Brigham Personalized Medicine); PubMed 21835320 (cited by Laboratory for Molecular Medicine, Mass General Brigham Personalized Medicine).

NM_000363.5(TNNI3):c.538del (p.Asp180fs)

Gene: TNNI3 (troponin I3, cardiac type; minus strand). Cytogenetic location: 19q13.42.
Variant type: Deletion.
Coding change: c.538del on transcript NM_000363.5 (MANE Select); coding-DNA position 538, one base deleted (G; older notation c.538delG).
Protein change: p.Asp180fs; shifts the reading frame from aspartic acid 180.
Molecular consequence: frameshift variant.
Genome position (GRCh38, 1-based): chr19:55,154,041, C deleted on the plus strand (G on the coding strand, the reverse complement: TNNI3 is on the minus strand); the first of 2 consecutive C bases (chr19:55,154,041-55,154,042); deleting either gives the same sequence. VCF-style (leftmost placement, unchanged base first): chr19-55154040-TC-T. GRCh37 (hg19) VCF-style: chr19-55665408-TC-T.
Other names: c.538del (LRG_432t1); short protein forms D180fs.
Identifiers: ClinVar variation 229332 (VCV000229332.7), dbSNP rs876658023, ClinGen allele CA10577115.
Genomic context (GRCh38, chr19:55,154,040, plus strand): 5'-CACAGCCCTTCCCCTCAGCATCCTCTTTCCTGGCCTTAGCCCACACTCACCTTCTCGGTG[TC>T]CTCCTTCTTCACCTGCTTGAGGTGGGCCCGCAGGTCCAGGGACTCCTTAGCCCGGGCCCC-3'